The following is an entry in ClinVar:

NM_005560.6(LAMA5):c.7387G>A (p.Gly2463Arg)

Gene: LAMA5 (laminin subunit alpha 5; minus strand). Cytogenetic location: 20q13.33.
Variant type: single nucleotide variant.
Coding change: c.7387G>A on transcript NM_005560.6 (MANE Select); coding-DNA position 7387, G replaced by A.
Protein change: p.Gly2463Arg; replaces glycine 2463 with arginine.
Molecular consequence: missense variant.
Genome position (GRCh38, 1-based): chr20:62,317,469, C>T on the plus strand (G>A on the coding strand, the complement: LAMA5 is on the minus strand). VCF-style: chr20-62317469-C-T. GRCh37 (hg19) VCF-style: chr20-60892525-C-T.
Other names: short protein forms G2463R.
Identifiers: ClinVar variation 1714038 (VCV001714038.5), dbSNP rs768563115, ClinGen allele CA9941247.

ClinVar aggregate classification (germline): Uncertain significance (1 of 4 stars; one submission).

Allele frequency attached by ClinVar (database versions not stated): gnomAD 0.00002; ExAC 0.00003; TOPMed 0.00004.
gnomAD v4.1: 9 of 1,571,712 alleles (0.00057%); highest among the groups gnomAD compares: African/African-American, 0.0041%; no homozygotes.

Submission:

Labcorp Genetics (formerly Invitae), Labcorp
Classification: Uncertain significance. Last evaluated: 2022-12-06. Review status: criteria provided, single submitter. Criteria: Invitae Variant Classification Sherloc (09022015). Collection method: clinical testing. Allele origin: germline.
Comment: In summary, the available evidence is currently insufficient to determine the role of this variant in disease. Therefore, it has been classified as a Variant of Uncertain Significance. Advanced modeling of protein sequence and biophysical properties (such as structural, functional, and spatial information, amino acid conservation, physicochemical variation, residue mobility, and thermodynamic stability) performed at Invitae indicates that this missense variant is not expected to disrupt LAMA5 protein function. ClinVar contains an entry for this variant (Variation ID: 1714038). This variant has not been reported in the literature in individuals affected with LAMA5-related conditions. This variant is present in population databases (rs768563115, gnomAD 0.02%). This sequence change replaces glycine, which is neutral and non-polar, with arginine, which is basic and polar, at codon 2463 of the LAMA5 protein (p.Gly2463Arg).